The following is an entry in ClinVar:

ClinVar aggregate classification (germline): Uncertain significance (1 of 4 stars; one submission).

Submission:

GeneDx
Classification: Uncertain significance. Last evaluated: 2025-06-20. Review status: criteria provided, single submitter. Criteria: GeneDx Variant Classification Process June 2021. Collection method: clinical testing. Allele origin: germline. Affected: yes.
Comment: Not observed at significant frequency in large population cohorts (gnomAD); In silico analysis suggests that this missense variant does not alter protein structure/function; Has not been previously published as pathogenic or benign to our knowledge

NM_001375524.1(TRRAP):c.9583T>G (p.Leu3195Val)

Gene: TRRAP (transformation/transcription domain associated protein; plus strand). Cytogenetic location: 7q22.1.
Variant type: single nucleotide variant.
Coding change: c.9583T>G on transcript NM_001375524.1 (MANE Select); coding-DNA position 9583, T replaced by G.
Protein change: p.Leu3195Val; replaces leucine 3195 with valine.
Molecular consequence: missense variant.
Genome position (GRCh38, 1-based): chr7:98,988,958, T>G. VCF-style: chr7-98988958-T-G. GRCh37 (hg19) VCF-style: chr7-98586581-T-G.
Other names: c.9595T>G, p.Leu3199Val (NM_001244580.2); c.9508T>G, p.Leu3170Val (NM_003496.4); short protein forms L3170V, L3195V, L3199V.
Identifiers: ClinVar variation 4538971 (VCV004538971.1).
Genomic context (GRCh38, chr7:98,988,958, plus strand): 5'-GCCATCACCTGCTACCTGCACGCCTGCCGGCATCAGAACGAGAGCAAATCGAGGAAATAC[T>G]TAGCCAAGGTGAGACCGAAAAAACGAGCTTTGACCAGAGGCCATCTGTCACCTTCAGATT-3'
Protein context (NP_001362453.1, residues 3185-3205): HQNESKSRKY[Leu3195Val]AKVLWLLSFD